The following is an entry in ClinVar:

ClinVar aggregate classification (germline): Uncertain significance. Review status: criteria provided, multiple submitters, no conflicts (2 of 4 stars). 2 submissions from 2 submitters: Uncertain significance (2). Last evaluated 2024-02-23.

Conditions:
Inborn genetic diseases. Identifiers: MedGen C0950123, MeSH D030342.

Allele frequency attached by ClinVar (database versions not stated): TOPMed 0.00004; gnomAD 0.00005; ExAC 0.00012; gnomAD exomes 0.00012; ESP Exome Variant Server 0.00015; 1000 Genomes Project 0.00020; 1000 Genomes Project 30x 0.00031.
gnomAD v4.1: 186 of 1,612,722 alleles (0.012%); highest among the groups gnomAD compares: Admixed American, 0.033%; no homozygotes.

Submissions (2):

Labcorp Genetics (formerly Invitae), Labcorp
Classification: Uncertain significance. Last evaluated: 2024-02-23. Review status: criteria provided, single submitter. Criteria: Invitae Variant Classification Sherloc (09022015). Collection method: clinical testing. Allele origin: germline.
Comment: This sequence change replaces glycine, which is neutral and non-polar, with arginine, which is basic and polar, at codon 120 of the KRT5 protein (p.Gly120Arg). This variant is present in population databases (rs200116437, gnomAD 0.05%). This variant has not been reported in the literature in individuals affected with KRT5-related conditions. ClinVar contains an entry for this variant (Variation ID: 2372305). Advanced modeling of protein sequence and biophysical properties (such as structural, functional, and spatial information, amino acid conservation, physicochemical variation, residue mobility, and thermodynamic stability) performed at Invitae indicates that this missense variant is not expected to disrupt KRT5 protein function with a negative predictive value of 95%. In summary, the available evidence is currently insufficient to determine the role of this variant in disease. Therefore, it has been classified as a Variant of Uncertain Significance.

Ambry Genetics
Classification: Uncertain significance for Inborn genetic diseases. Last evaluated: 2021-08-02. Review status: criteria provided, single submitter. Criteria: Ambry Variant Classification Scheme 2023. Collection method: clinical testing. Allele origin: germline.

NM_000424.4(KRT5):c.358G>A (p.Gly120Arg)

Gene: KRT5 (keratin 5; minus strand). Cytogenetic location: 12q13.13.
Variant type: single nucleotide variant.
Coding change: c.358G>A on transcript NM_000424.4 (MANE Select); coding-DNA position 358, G replaced by A.
Protein change: p.Gly120Arg; replaces glycine 120 with arginine.
Molecular consequence: missense variant.
Genome position (GRCh38, 1-based): chr12:52,519,939, C>T on the plus strand (G>A on the coding strand, the complement: KRT5 is on the minus strand). VCF-style: chr12-52519939-C-T. GRCh37 (hg19) VCF-style: chr12-52913723-C-T.
Other names: short protein forms G120R.
Identifiers: ClinVar variation 2372305 (VCV002372305.5), dbSNP rs200116437, ClinGen allele CA6582854.